The following is an entry in ClinVar:

NM_004260.4(RECQL4):c.3521C>A (p.Ala1174Asp)

Gene: RECQL4 (RecQ like helicase 4; minus strand). Cytogenetic location: 8q24.3.
Variant type: single nucleotide variant.
Coding change: c.3521C>A on transcript NM_004260.4 (MANE Select); coding-DNA position 3521, C replaced by A.
Protein change: p.Ala1174Asp; replaces alanine 1174 with aspartic acid.
Molecular consequence: missense variant.
Genome position (GRCh38, 1-based): chr8:144,511,537, G>T on the plus strand (C>A on the coding strand, the complement: RECQL4 is on the minus strand). VCF-style: chr8-144511537-G-T. GRCh37 (hg19) VCF-style: chr8-145736920-G-T.
Other names: short protein forms A1174D.
Identifiers: ClinVar variation 406975 (VCV000406975.7), dbSNP rs587778648, ClinGen allele CA4947664.
Genomic context (GRCh38, chr8:144,511,537, plus strand): 5'-GCATGGAAGCTCAGGTGCAGGTATTTTCTCCAGAAGCGTCGGTCCTGCCCGTACACCTGG[G>T]CCGGGTAGCAGGGGCTTCCTACGGTGGAGCCAAGACACAGCCGTGAGCCCCAGCCCCAGC-3'
Protein context (NP_004251.4, residues 1164-1184): FHGIGSPCYP[Ala1174Asp]QVYGQDRRFW

ClinVar aggregate classification (germline): Uncertain significance. Review status: criteria provided, multiple submitters, no conflicts (2 of 4 stars). 2 submissions from 2 submitters: Uncertain significance (2). Last evaluated 2024-10-18.

Conditions:
RECQL4-related disorder. Also called: RECQL4-related disorders; RECQL4-related condition.
Baller-Gerold syndrome (BGS). Also called: CRANIOSYNOSTOSIS WITH RADIAL DEFECTS. Identifiers: Orphanet 1225, MedGen C0265308, MONDO:0009039, OMIM 218600.

Allele frequency attached by ClinVar (database versions not stated): ExAC 0.00001.
gnomAD v4.1: 1 of 1,612,392 alleles (0.000062%); highest among the groups gnomAD compares: South Asian, 0.0011%; no homozygotes.

Submissions (2):

PreventionGenetics, part of Exact Sciences
Classification: Uncertain significance for RECQL4-related condition. Last evaluated: 2024-10-18. Review status: criteria provided, single submitter. Criteria: ACMG Guidelines, 2015. Collection method: clinical testing. Allele origin: germline.
Comment: The RECQL4 c.3521C>A variant is predicted to result in the amino acid substitution p.Ala1174Asp. To our knowledge, this variant has not been reported in the literature. This variant is reported in 0.0033% of alleles in individuals of South Asian descent in gnomAD. At this time, the clinical significance of this variant is uncertain due to the absence of conclusive functional and genetic evidence.

Labcorp Genetics (formerly Invitae), Labcorp
Classification: Uncertain significance for Baller-Gerold syndrome. Last evaluated: 2024-05-06. Review status: criteria provided, single submitter. Criteria: Invitae Variant Classification Sherloc (09022015). Collection method: clinical testing. Allele origin: germline.
Comment: This sequence change replaces alanine, which is neutral and non-polar, with aspartic acid, which is acidic and polar, at codon 1174 of the RECQL4 protein (p.Ala1174Asp). This variant is present in population databases (rs587778648, gnomAD 0.003%). This variant has not been reported in the literature in individuals affected with RECQL4-related conditions. ClinVar contains an entry for this variant (Variation ID: 406975). Advanced modeling of protein sequence and biophysical properties (such as structural, functional, and spatial information, amino acid conservation, physicochemical variation, residue mobility, and thermodynamic stability) performed at Invitae indicates that this missense variant is expected to disrupt RECQL4 protein function with a positive predictive value of 80%. In summary, the available evidence is currently insufficient to determine the role of this variant in disease. Therefore, it has been classified as a Variant of Uncertain Significance.